The following is an entry in ClinVar:

ClinVar aggregate classification (germline): Benign (1 of 4 stars; one submission).

Submission:

GeneDx
Classification: Benign. Last evaluated: 2018-06-19. Review status: criteria provided, single submitter. Criteria: GeneDx Variant Classification (06012015). Collection method: clinical testing. Allele origin: germline. Affected: yes.
Comment: This variant is considered likely benign or benign based on one or more of the following criteria: it is a conservative change, it occurs at a poorly conserved position in the protein, it is predicted to be benign by multiple in silico algorithms, and/or has population frequency not consistent with disease.

NM_020822.3(KCNT1):c.2730-164_2730-98del

Gene: KCNT1 (potassium sodium-activated channel subfamily T member 1; plus strand). Cytogenetic location: 9q34.3.
Variant type: Deletion.
Coding change: c.2730-164_2730-98del on transcript NM_020822.3 (MANE Select); 164 bases into the intron before coding-DNA position 2730 through 98 bases into the intron before coding-DNA position 2730, 67 bases deleted.
Molecular consequence: intron variant.
Genome position (GRCh38, 1-based): chr9:135,779,195-135,779,261, 67 bases deleted. GRCh37 (hg19): chr9:138,671,041-138,671,107.
Other names: c.2595-164_2595-98del (NM_001272003.2).
Identifiers: ClinVar variation 682435 (VCV000682435.1), dbSNP rs1564383338, ClinGen allele CA591147412.